The following is an entry in ClinVar:

ClinVar aggregate classification (germline): Uncertain significance (1 of 4 stars; one submission).

gnomAD v4.1: 1 of 1,611,150 alleles (0.000062%); highest among the groups gnomAD compares: Admixed American, 0.0017%; no homozygotes.

Submission:

Labcorp Genetics (formerly Invitae), Labcorp
Classification: Uncertain significance. Last evaluated: 2022-01-15. Review status: criteria provided, single submitter. Criteria: Invitae Variant Classification Sherloc (09022015). Collection method: clinical testing. Allele origin: germline.
Comment: This sequence change replaces isoleucine, which is neutral and non-polar, with valine, which is neutral and non-polar, at codon 4399 of the ADGRV1 protein (p.Ile4399Val). This variant is not present in population databases (gnomAD no frequency). This variant has not been reported in the literature in individuals affected with ADGRV1-related conditions. Algorithms developed to predict the effect of missense changes on protein structure and function output the following: SIFT: "Tolerated"; PolyPhen-2: "Benign"; Align-GVGD: "Class C0". The valine amino acid residue is found in multiple mammalian species, which suggests that this missense change does not adversely affect protein function. In summary, the available evidence is currently insufficient to determine the role of this variant in disease. Therefore, it has been classified as a Variant of Uncertain Significance.

NM_032119.4(ADGRV1):c.13195A>G (p.Ile4399Val)

Gene: ADGRV1 (adhesion G protein-coupled receptor V1; plus strand). Cytogenetic location: 5q14.3.
Variant type: single nucleotide variant.
Coding change: c.13195A>G on transcript NM_032119.4 (MANE Select); coding-DNA position 13195, A replaced by G.
Protein change: p.Ile4399Val; replaces isoleucine 4399 with valine.
Molecular consequence: missense variant. On other transcripts: non-coding transcript variant (1).
Genome position (GRCh38, 1-based): chr5:90,781,542, A>G. VCF-style: chr5-90781542-A-G. GRCh37 (hg19) VCF-style: chr5-90077359-A-G.
Other names: short protein forms I4399V.
Identifiers: ClinVar variation 1451037 (VCV001451037.5), dbSNP rs2150095237, ClinGen allele CA360392066.
Genomic context (GRCh38, chr5:90,781,542, plus strand): 5'-GAAATAGGAAACATCTCCATTGTTCGCATCATAATAATGAAAAATGATAACGCAGAAGGC[A>G]TCATTGAATTTGACCCAAAGTATACTGCCTTCGAAGGTAGGTTCAGTCAGCTAGCTTGTA-3'
Protein context (NP_115495.3, residues 4389-4409): IIMKNDNAEG[Ile4399Val]IEFDPKYTAF